The following is an entry in ClinVar:

ClinVar aggregate classification (germline): Pathogenic/Likely pathogenic. Review status: criteria provided, multiple submitters, no conflicts (2 of 4 stars). 4 submissions from 4 submitters: Pathogenic (3); Likely pathogenic (1). Last evaluated 2024-10-31.

Conditions:
Hereditary cancer-predisposing syndrome. Also called: Hereditary neoplastic syndrome; Neoplastic Syndromes, Hereditary; Tumor predisposition; Hereditary Cancer Syndrome. Identifiers: Orphanet 140162, MedGen C0027672, MeSH D009386, MONDO:0015356.
Microcephaly, normal intelligence and immunodeficiency (NBS). Also called: IMMUNODEFICIENCY, MICROCEPHALY, AND CHROMOSOMAL INSTABILITY; SEEMANOVA SYNDROME II; Nijmegen breakage syndrome; Microcephaly with normal intelligence immunodeficiency and lymphoreticular malignancies; Nonsyndromal microcephaly autosomal recessive with normal intelligence; Seemanova syndrome 2. Identifiers: Orphanet 647, MedGen C0398791, MONDO:0009623, OMIM 251260.

Submissions (4):

Labcorp Genetics (formerly Invitae), Labcorp
Classification: Pathogenic for Microcephaly, normal intelligence and immunodeficiency. Last evaluated: 2024-10-31. Review status: criteria provided, single submitter. Criteria: Invitae Variant Classification Sherloc (09022015). Collection method: clinical testing. Allele origin: germline.
Comment: This sequence change creates a premature translational stop signal (p.Val26Cysfs*11) in the NBN gene. It is expected to result in an absent or disrupted protein product. Loss-of-function variants in NBN are known to be pathogenic (PMID: 9590180, 16415040). This variant is not present in population databases (gnomAD no frequency). This variant has not been reported in the literature in individuals affected with NBN-related conditions. ClinVar contains an entry for this variant (Variation ID: 480025). For these reasons, this variant has been classified as Pathogenic.

GeneDx
Classification: Likely pathogenic. Last evaluated: 2023-09-20. Review status: criteria provided, single submitter. Criteria: GeneDx Variant Classification Process June 2021. Collection method: clinical testing. Allele origin: germline. Affected: yes.
Comment: Frameshift variant predicted to result in protein truncation or nonsense mediated decay in a gene for which loss-of-function is a known mechanism of disease; Not observed at significant frequency in large population cohorts (gnomAD); Observed in at least one individual with ovarian cancer (Lilyquist et al., 2017); This variant is associated with the following publications: (PMID: 9590180, 16415040, 28888541)

Genome-Nilou Lab
Classification: Pathogenic for Microcephaly, normal intelligence and immunodeficiency. Last evaluated: 2021-11-07. Review status: criteria provided, single submitter. Criteria: ACMG Guidelines, 2015. Collection method: clinical testing. Allele origin: germline. Affected: no.

Ambry Genetics
Classification: Pathogenic for Hereditary cancer-predisposing syndrome. Last evaluated: 2021-06-03. Review status: criteria provided, single submitter. Criteria: Ambry Variant Classification Scheme 2023. Collection method: clinical testing. Allele origin: germline.
Comment: The c.75dupT pathogenic mutation, located in coding exon 2 of the NBN gene, results from a duplication of T at nucleotide position 75, causing a translational frameshift with a predicted alternate stop codon (p.V26Cfs*11). This alteration is expected to result in loss of function by premature protein truncation or nonsense-mediated mRNA decay. As such, this alteration is interpreted as a disease-causing mutation.

Literature cited by the submitters: PubMed 9590180 (cited by Labcorp Genetics (formerly Invitae), Labcorp); PubMed 16415040 (cited by Labcorp Genetics (formerly Invitae), Labcorp).

NM_002485.5(NBN):c.75dup (p.Val26fs)

Gene: NBN (nibrin; minus strand). Cytogenetic location: 8q21.3.
Variant type: Duplication.
Coding change: c.75dup on transcript NM_002485.5 (MANE Select); coding-DNA position 75, one base duplicated (T; older notation c.75dupT).
Protein change: p.Val26fs; shifts the reading frame from valine 26.
Molecular consequence: frameshift variant. On other transcripts: 5 prime UTR variant (1).
Genome position (GRCh38, 1-based): chr8:89,982,818, A duplicated on the plus strand (T on the coding strand, the reverse complement: NBN is on the minus strand); the first of 2 consecutive A bases (chr8:89,982,818-89,982,819); duplicating either gives the same sequence. VCF-style (leftmost placement, unchanged base first): chr8-89982817-C-CA. GRCh37 (hg19) VCF-style: chr8-90995045-C-CA.
Other names: c.75dupT (NM_002485.4); c.-222dup (NM_001024688.3); short protein forms V26fs.
Identifiers: ClinVar variation 480025 (VCV000480025.19), dbSNP rs1199711768, ClinGen allele CA658657797.